The following is an entry in ClinVar:

NM_001711.6(BGN):c.181G>A (p.Ala61Thr)

Gene: BGN (biglycan; plus strand). Cytogenetic location: Xq28.
Variant type: single nucleotide variant.
Coding change: c.181G>A on transcript NM_001711.6 (MANE Select); coding-DNA position 181, G replaced by A.
Protein change: p.Ala61Thr; replaces alanine 61 with threonine.
Molecular consequence: missense variant.
Genome position (GRCh38, 1-based): chrX:153,504,812, G>A. VCF-style: chrX-153504812-G-A. GRCh37 (hg19) VCF-style: chrX-152770270-G-A.
Other names: c.181G>A (NM_001711.4); short protein forms A61T.
Identifiers: ClinVar variation 1051496 (VCV001051496.12), dbSNP rs782672273, ClinGen allele CA10547143.

ClinVar aggregate classification (germline): Conflicting classifications of pathogenicity. Review status: criteria provided, conflicting classifications (1 of 4 stars). 3 submissions from 3 submitters: Uncertain significance (1); Benign (1); Likely benign (1). Last evaluated 2025-12-04.

Conditions:
Cardiovascular phenotype. Identifiers: MedGen CN230736.

Allele frequency attached by ClinVar (database versions not stated): gnomAD exomes 0.00003 and 0.00007; gnomAD 0.00004; TOPMed 0.00004; ExAC 0.00008.
gnomAD v4.1: 42 of 1,209,565 alleles (0.0035%); highest among the groups gnomAD compares: East Asian, 0.047%; no homozygotes.

Submissions (3):

Labcorp Genetics (formerly Invitae), Labcorp
Classification: Uncertain significance. Last evaluated: 2025-12-04. Review status: criteria provided, single submitter. Criteria: Invitae Variant Classification Sherloc (09022015). Collection method: clinical testing. Allele origin: germline.
Comment: This sequence change replaces alanine, which is neutral and non-polar, with threonine, which is neutral and polar, at codon 61 of the BGN protein (p.Ala61Thr). This variant is present in population databases (rs782672273, gnomAD 0.04%), and has an allele count higher than expected for a pathogenic variant. This variant has not been reported in the literature in individuals affected with BGN-related conditions. ClinVar contains an entry for this variant (Variation ID: 1051496). Invitae Evidence Modeling of protein sequence and biophysical properties (such as structural, functional, and spatial information, amino acid conservation, physicochemical variation, residue mobility, and thermodynamic stability) indicates that this missense variant is not expected to disrupt BGN protein function with a negative predictive value of 80%. In summary, the available evidence is currently insufficient to determine the role of this variant in disease. Therefore, it has been classified as a Variant of Uncertain Significance.

Ambry Genetics
Classification: Benign for Cardiovascular phenotype. Last evaluated: 2025-08-21. Review status: criteria provided, single submitter. Criteria: Ambry Variant Classification Scheme 2023. Collection method: clinical testing. Allele origin: germline.

Women's Health and Genetics/Laboratory Corporation of America, LabCorp
Classification: Likely benign. Last evaluated: 2024-09-14. Review status: criteria provided, single submitter. Criteria: LabCorp Variant Classification Summary - May 2015. Collection method: clinical testing. Allele origin: germline.